The following is an entry in ClinVar:

ClinVar aggregate classification (germline): Likely benign. Review status: criteria provided, multiple submitters, no conflicts (2 of 4 stars). 3 submissions from 3 submitters: Likely benign (3). Last evaluated 2026-07-01.

Allele frequency attached by ClinVar (database versions not stated): TOPMed below 0.00001; ExAC 0.00002; gnomAD exomes 0.00001.
gnomAD v4.1: 7 of 1,613,948 alleles (0.00043%); highest among the groups gnomAD compares: South Asian, 0.0011%; no homozygotes.

Submissions (3):

CeGaT Center for Human Genetics Tuebingen
Classification: Likely benign. Last evaluated: 2026-07-01. Review status: criteria provided, single submitter. Criteria: CeGaT Center For Human Genetics Tuebingen Variant Classification Criteria Version 2. Collection method: clinical testing. Allele origin: germline. Affected: yes. Observed: 1 variant allele.
Comment: CDH23: BP4, BP7

Labcorp Genetics (formerly Invitae), Labcorp
Classification: Likely benign. Last evaluated: 2022-06-23. Review status: criteria provided, single submitter. Criteria: Invitae Variant Classification Sherloc (09022015). Collection method: clinical testing. Allele origin: germline.

Breakthrough Genomics
Classification: Likely benign. Review status: criteria provided, single submitter. Criteria: ACMG Guidelines, 2015. Collection method: not provided. Allele origin: germline. Inheritance: Autosomal recessive inheritance. Affected: yes.

NM_022124.6(CDH23):c.3745C>T (p.Leu1249=)

Genes: C10orf105 (chromosome 10 open reading frame 105; minus strand), CDH23 (cadherin related 23; plus strand). Cytogenetic location: 10q22.1.
Variant type: single nucleotide variant.
Coding change: c.3745C>T on transcript NM_022124.6 (MANE Select); coding-DNA position 3745, C replaced by T.
Protein change: p.Leu1249=; no amino-acid change (leucine 1249 retained).
Molecular consequence: synonymous variant. On other transcripts: intron variant (1).
Genome position (GRCh38, 1-based): chr10:71,732,016, C>T. VCF-style: chr10-71732016-C-T. GRCh37 (hg19) VCF-style: chr10-73491773-C-T.
Other names: c.3745C>T, p.Leu1249= (NM_001171930.2); c.-6+5712G>A (NM_001168390.2).
Identifiers: ClinVar variation 1595582 (VCV001595582.10), dbSNP rs779177692, ClinGen allele CA5544839.